The following is an entry in ClinVar:

NM_199420.4(POLQ):c.473A>G (p.Gln158Arg)

Gene: POLQ (DNA polymerase theta; minus strand). Cytogenetic location: 3q13.33.
Variant type: single nucleotide variant.
Coding change: c.473A>G on transcript NM_199420.4 (MANE Select); coding-DNA position 473, A replaced by G.
Protein change: p.Gln158Arg; replaces glutamine 158 with arginine.
Molecular consequence: missense variant.
Genome position (GRCh38, 1-based): chr3:121,541,350, T>C on the plus strand (A>G on the coding strand, the complement: POLQ is on the minus strand). VCF-style: chr3-121541350-T-C. GRCh37 (hg19) VCF-style: chr3-121260197-T-C.
Other names: short protein forms Q158R.
Identifiers: ClinVar variation 2497157 (VCV002497157.2), dbSNP rs376865576, ClinGen allele CA2563813.

ClinVar aggregate classification (germline): Uncertain significance (1 of 4 stars; one submission).

Allele frequency attached by ClinVar (database versions not stated): gnomAD 0.00001; gnomAD exomes 0.00001; ExAC 0.00002; TOPMed 0.00002.

Submission:

Ambry Genetics
Classification: Uncertain significance. Last evaluated: 2022-12-26. Review status: criteria provided, single submitter. Criteria: Ambry Variant Classification Scheme 2023. Collection method: clinical testing. Allele origin: germline.
Comment: The p.Q158R variant (also known as c.473A>G), located in coding exon 3 of the POLQ gene, results from an A to G substitution at nucleotide position 473. The glutamine at codon 158 is replaced by arginine, an amino acid with highly similar properties. This amino acid position is conserved. In addition, this alteration is predicted to be tolerated by in silico analysis. Since supporting evidence is limited at this time, the clinical significance of this alteration remains unclear.